The following is an entry in ClinVar:

NM_001098.3(ACO2):c.1625A>C (p.Asp542Ala)

Genes: ACO2 (aconitase 2; plus strand), LOC130067544 (ATAC-STARR-seq lymphoblastoid active region 19118; plus strand). Cytogenetic location: 22q13.2.
Variant type: single nucleotide variant.
Coding change: c.1625A>C on transcript NM_001098.3 (MANE Select); coding-DNA position 1625, A replaced by C.
Protein change: p.Asp542Ala; replaces aspartic acid 542 with alanine.
Molecular consequence: missense variant.
Genome position (GRCh38, 1-based): chr22:41,525,212, A>C. VCF-style: chr22-41525212-A-C. GRCh37 (hg19) VCF-style: chr22-41921216-A-C.
Other names: c.1625A>C (NM_001098.2); short protein forms D542A.
Identifiers: ClinVar variation 1509850 (VCV001509850.9), dbSNP rs1026844498, ClinGen allele CA324580739.

ClinVar aggregate classification (germline): Uncertain significance. Review status: criteria provided, multiple submitters, no conflicts (2 of 4 stars). 4 submissions from 4 submitters: Uncertain significance (4). Last evaluated 2025-05-23.

Conditions:
ACO2-related disorder. Also called: ACO2-Related Disorders.
Inborn genetic diseases. Identifiers: MedGen C0950123, MeSH D030342.

Allele frequency attached by ClinVar (database versions not stated): gnomAD exomes 0.00001; gnomAD 0.00002; TOPMed 0.00002.
gnomAD v4.1: 17 of 1,613,936 alleles (0.0011%); highest among the groups gnomAD compares: Non-Finnish European, 0.0014%; no homozygotes.

Submissions (4):

PreventionGenetics, part of Exact Sciences
Classification: Uncertain significance for ACO2-related condition. Last evaluated: 2025-05-23. Review status: criteria provided, single submitter. Criteria: ACMG Guidelines, 2015. Collection method: clinical testing. Allele origin: germline.
Comment: The ACO2 c.1625A>C variant is predicted to result in the amino acid substitution p.Asp542Ala. To our knowledge, this variant has not been reported in the literature. This variant is reported in 0.0026% of alleles in individuals of European (Non-Finnish) descent in gnomAD. At this time, the clinical significance of this variant is uncertain due to the absence of conclusive functional and genetic evidence.

Ambry Genetics
Classification: Uncertain significance for Inborn genetic diseases. Last evaluated: 2023-11-27. Review status: criteria provided, single submitter. Criteria: Ambry Variant Classification Scheme 2023. Collection method: clinical testing. Allele origin: germline.

Labcorp Genetics (formerly Invitae), Labcorp
Classification: Uncertain significance. Last evaluated: 2023-07-29. Review status: criteria provided, single submitter. Criteria: Invitae Variant Classification Sherloc (09022015). Collection method: clinical testing. Allele origin: germline.
Comment: In summary, the available evidence is currently insufficient to determine the role of this variant in disease. Therefore, it has been classified as a Variant of Uncertain Significance. Advanced modeling of protein sequence and biophysical properties (such as structural, functional, and spatial information, amino acid conservation, physicochemical variation, residue mobility, and thermodynamic stability) performed at Invitae indicates that this missense variant is not expected to disrupt ACO2 protein function. ClinVar contains an entry for this variant (Variation ID: 1509850). This variant has not been reported in the literature in individuals affected with ACO2-related conditions. This variant is present in population databases (no rsID available, gnomAD 0.003%). This sequence change replaces aspartic acid, which is acidic and polar, with alanine, which is neutral and non-polar, at codon 542 of the ACO2 protein (p.Asp542Ala).

Blueprint Genetics
Classification: Uncertain significance. Last evaluated: 2022-11-10. Review status: criteria provided, single submitter. Criteria: ACMG Guidelines, 2015. Collection method: clinical testing. Allele origin: germline.